The following is an entry in ClinVar:

ClinVar aggregate classification (germline): Benign/Likely benign. Review status: criteria provided, multiple submitters, no conflicts (2 of 4 stars). 2 submissions from 2 submitters: Benign (1); Likely benign (1). Last evaluated 2026-06-02.

Conditions:
Gastrointestinal stromal tumor. Also called: Gastrointestinal stroma tumor; Gastrointestinal stromal tumor, somatic. Identifiers: Orphanet 44890, MedGen C0238198, MeSH D046152, MONDO:0011719, OMIM 606764, HP:0100723.

Submissions (2):

Myriad Genetics, Inc.
Classification: Benign for Gastrointestinal stromal tumor. Last evaluated: 2026-06-02. Review status: criteria provided, single submitter. Criteria: Myriad Autosomal Dominant, Autosomal Recessive and X-Linked Classification Criteria (2023). Collection method: clinical testing. Allele origin: unknown.
Comment: This variant is considered benign. This variant is a silent/synonymous amino acid change and it is not expected to impact splicing.

Labcorp Genetics (formerly Invitae), Labcorp
Classification: Likely benign for Gastrointestinal stromal tumor. Last evaluated: 2023-11-17. Review status: criteria provided, single submitter. Criteria: Invitae Variant Classification Sherloc (09022015). Collection method: clinical testing. Allele origin: germline.

NM_000222.3(KIT):c.135C>T (p.Asp45=)

Gene: KIT (KIT proto-oncogene, receptor tyrosine kinase; plus strand). Cytogenetic location: 4q12.
Variant type: single nucleotide variant.
Coding change: c.135C>T on transcript NM_000222.3 (MANE Select); coding-DNA position 135, C replaced by T.
Protein change: p.Asp45=; no amino-acid change (aspartic acid 45 retained).
Molecular consequence: synonymous variant.
Genome position (GRCh38, 1-based): chr4:54,695,579, C>T. VCF-style: chr4-54695579-C-T. GRCh37 (hg19) VCF-style: chr4-55561745-C-T.
Other names: c.135C>T, p.Asp45= (NM_001093772.2, NM_001385284.1, NM_001385285.1 and 4 more transcripts).
Identifiers: ClinVar variation 2024550 (VCV002024550.5), dbSNP rs1060502551, ClinGen allele CA439408997.